The following is an entry in ClinVar:

NM_000384.3(APOB):c.11441C>A (p.Thr3814Asn)

Gene: APOB (apolipoprotein B; minus strand). Cytogenetic location: 2p24.1.
Variant type: single nucleotide variant.
Coding change: c.11441C>A on transcript NM_000384.3 (MANE Select); coding-DNA position 11441, C replaced by A.
Protein change: p.Thr3814Asn; replaces threonine 3814 with asparagine.
Molecular consequence: missense variant.
Genome position (GRCh38, 1-based): chr2:21,005,427, G>T on the plus strand (C>A on the coding strand, the complement: APOB is on the minus strand). VCF-style: chr2-21005427-G-T. GRCh37 (hg19) VCF-style: chr2-21228299-G-T.
Other names: short protein forms T3814N.
Identifiers: ClinVar variation 922417 (VCV000922417.7), dbSNP rs768822240, ClinGen allele CA046599.

ClinVar aggregate classification (germline): Uncertain significance. Review status: criteria provided, multiple submitters, no conflicts (2 of 4 stars). 2 submissions from 2 submitters: Uncertain significance (2). Last evaluated 2025-08-24.

Conditions:
Familial hypobetalipoproteinemia 1. Also called: Hypobetalipoproteinemia, normotriglyceridemic; Acanthocytosis with hypobetalipoproteinemia; APOB-Related Familial Hypobetalipoproteinemia. Identifiers: MedGen C4551990, MONDO:0014252, OMIM 615558.
Cardiovascular phenotype. Identifiers: MedGen CN230736.

Allele frequency attached by ClinVar (database versions not stated): gnomAD exomes 0.00001 and 0.00002; ExAC 0.00002.
gnomAD v4.1: 4 of 1,613,980 alleles (0.00025%); highest among the groups gnomAD compares: South Asian, 0.0033%; no homozygotes.

Submissions (2):

Ambry Genetics
Classification: Uncertain significance for Cardiovascular phenotype. Last evaluated: 2025-08-24. Review status: criteria provided, single submitter. Criteria: Ambry Variant Classification Scheme 2023. Collection method: clinical testing. Allele origin: germline.
Comment: The p.T3814N variant (also known as c.11441C>A), located in coding exon 26 of the APOB gene, results from a C to A substitution at nucleotide position 11441. The threonine at codon 3814 is replaced by asparagine, an amino acid with similar properties. This amino acid position is well conserved in available vertebrate species. In addition, this alteration is predicted to be tolerated by in silico analysis. Since supporting evidence is limited at this time, the clinical significance of this alteration remains unclear.

Baylor Genetics
Classification: Uncertain significance for Familial hypobetalipoproteinemia 1. Last evaluated: 2019-09-27. Review status: criteria provided, single submitter. Criteria: ACMG Guidelines, 2015. Collection method: clinical testing. Allele origin: unknown. Affected: yes.
Comment: This variant was determined to be of uncertain significance according to ACMG Guidelines, 2015 [PMID:25741868].